The following is an entry in ClinVar:

ClinVar aggregate classification (germline): Uncertain significance (1 of 4 stars; one submission).

Conditions:
Muscle AMP deaminase deficiency (MMDD). Also called: ADENOSINE MONOPHOSPHATE DEAMINASE-1 DEFICIENCY, MYOPATHY DUE TO; Myoadenylate deaminase deficiency, myopathy due to; Adenosine monophosphate deaminase 1 deficiency; AMP deaminase 1 deficiency; Adenosine Monophosphate Deaminase 1; AMPD1 DEFICIENCY. Identifiers: Orphanet 45, MedGen C3714933, MONDO:0014220, OMIM 615511.

gnomAD v4.1: 9 of 1,614,076 alleles (0.00056%); highest among the groups gnomAD compares: East Asian, 0.0067%; no homozygotes.

Submission:

Labcorp Genetics (formerly Invitae), Labcorp
Classification: Uncertain significance for Muscle AMP deaminase deficiency. Last evaluated: 2025-04-03. Review status: criteria provided, single submitter. Criteria: Invitae Variant Classification Sherloc (09022015). Collection method: clinical testing. Allele origin: germline.
Comment: This sequence change replaces glutamic acid, which is acidic and polar, with lysine, which is basic and polar, at codon 86 of the AMPD1 protein (p.Glu86Lys). This variant is present in population databases (no rsID available, gnomAD 0.06%). This variant has not been reported in the literature in individuals affected with AMPD1-related conditions. ClinVar contains an entry for this variant (Variation ID: 3671867). An algorithm developed to predict the effect of missense changes on protein structure and function (PolyPhen-2) suggests that this variant is likely to be disruptive. In summary, the available evidence is currently insufficient to determine the role of this variant in disease. Therefore, it has been classified as a Variant of Uncertain Significance.

NM_000036.3(AMPD1):c.157G>A (p.Glu53Lys)

Gene: AMPD1 (adenosine monophosphate deaminase 1; minus strand). Cytogenetic location: 1p13.2.
Variant type: single nucleotide variant.
Coding change: c.157G>A on transcript NM_000036.3 (MANE Select); coding-DNA position 157, G replaced by A.
Protein change: p.Glu53Lys; replaces glutamic acid 53 with lysine.
Molecular consequence: missense variant.
Genome position (GRCh38, 1-based): chr1:114,688,619, C>T on the plus strand (G>A on the coding strand, the complement: AMPD1 is on the minus strand). VCF-style: chr1-114688619-C-T. GRCh37 (hg19) VCF-style: chr1-115231240-C-T.
Other names: c.145G>A, p.Glu49Lys (NM_001172626.2); short protein forms E49K, E53K.
Identifiers: ClinVar variation 3671867 (VCV003671867.2).
Genomic context (GRCh38, chr1:114,688,619, plus strand): 5'-ACCTCCTGGCTTCTGTGGAGGTGGACAGAGTCTCCAGATGGAATATGTGTGCTTGCATCT[C>T]ATGATGAGAAATCGGACAGATCTCATCCACATCAAAGGGGGAAATCTCCTGACGACCTCC-3'
Protein context (NP_000027.3, residues 43-63): VDEICPISHH[Glu53Lys]MQAHIFHLET